The following is an entry in ClinVar:

ClinVar aggregate classification (germline): Likely benign. Review status: criteria provided, multiple submitters, no conflicts (2 of 4 stars). 4 submissions from 4 submitters: Likely benign (3). 1 of the submissions does not count toward it. Last evaluated 2025-08-17.

Conditions:
Inborn genetic diseases. Identifiers: MedGen C0950123, MeSH D030342.
MYO5B-related disorder. Also called: MYO5B-related condition.

Allele frequency attached by ClinVar (database versions not stated): ExAC 0.00001; gnomAD exomes 0.00002 and 0.00005; gnomAD 0.00003 and 0.00004; TOPMed 0.00006.
gnomAD v4.1: 73 of 1,614,102 alleles (0.0045%); highest among the groups gnomAD compares: Admixed American, 0.012%; no homozygotes.

Submissions (4):

Labcorp Genetics (formerly Invitae), Labcorp
Classification: Likely benign. Last evaluated: 2025-08-17. Review status: criteria provided, single submitter. Criteria: Invitae Variant Classification Sherloc (09022015). Collection method: clinical testing. Allele origin: germline.

Ambry Genetics
Classification: Likely benign for Inborn genetic diseases. Last evaluated: 2025-02-10. Review status: criteria provided, single submitter. Criteria: Ambry Variant Classification Scheme 2023. Collection method: clinical testing. Allele origin: germline.

Blueprint Genetics
Classification: Likely benign. Last evaluated: 2024-04-26. Review status: criteria provided, single submitter. Criteria: ACMG Guidelines, 2015. Collection method: clinical testing. Allele origin: germline.

PreventionGenetics, part of Exact Sciences
Classification: Likely benign for MYO5B-related condition. Last evaluated: 2023-12-19. Review status: no assertion criteria provided. Collection method: clinical testing. Allele origin: germline. Not counted in ClinVar's aggregate classification.
Comment: This variant is classified as likely benign based on ACMG/AMP sequence variant interpretation guidelines (Richards et al. 2015 PMID: 25741868, with internal and published modifications).

NM_001080467.3(MYO5B):c.4548C>T (p.Asn1516=)

Genes: MYO5B (myosin VB; minus strand), SNHG22 (small nucleolar RNA host gene 22; plus strand). Cytogenetic location: 18q21.1.
Variant type: single nucleotide variant.
Coding change: c.4548C>T on transcript NM_001080467.3 (MANE Select); coding-DNA position 4548, C replaced by T.
Protein change: p.Asn1516=; no amino-acid change (asparagine 1516 retained).
Molecular consequence: synonymous variant.
Genome position (GRCh38, 1-based): chr18:49,843,304, G>A on the plus strand (C>T on the coding strand, the complement: MYO5B is on the minus strand). VCF-style: chr18-49843304-G-A. GRCh37 (hg19) VCF-style: chr18-47369674-G-A.
Other names: c.4548C>T (NM_001080467.2).
Identifiers: ClinVar variation 1575318 (VCV001575318.12), dbSNP rs757756648, ClinGen allele CA8960315.